The following is an entry in ClinVar:

ClinVar aggregate classification (germline): Pathogenic (0 of 4 stars; one submission).

Submission:

Quest Diagnostics Nichols Institute San Juan Capistrano
Classification: Pathogenic. Last evaluated: 2021-04-01. Review status: no assertion criteria provided. Collection method: clinical testing. Allele origin: germline.
Comment: This imbalance is expected to cause phenotypic and/or developmental abnormalities. Deletions and epimutations affecting this imprinted region are consistent with paternal and maternal uniparental disomy for chromosome 14 (upd(14)pat and upd(14)mat) dependent upon parent of origin (Kagami, et al., Nat Genet. 2008 Feb;40(2):237-42. PMID: 18176563). Presentation of paternal UPD(14) ("Kagami syndrome") is a thoracic dysplasia syndrome with mental retardation and limited survival. Findings in maternal UPD(14) ("Temple") syndrome show an age-dependent overlap with the well-known maternal UPD(15) (Prader-Willi) syndrome and are dominated by initial failure to thrive followed by obesity, learning difficulties and precocious puberty (Hoffmann and Heller, Best Pract Res Clin Endocrinol Metab. 2011 Feb;25(1):77-100. PMID: 21396576).

GRCh37/hg19 14q32.13-32.31(chr14:95871795-102457523)x1

Genes: AK7 (adenylate kinase 7; plus strand), ATG2B (autophagy related 2B; minus strand), BCL11B (BCL11 transcription factor B; minus strand), BDKRB1 (bradykinin receptor B1; plus strand), BDKRB2 (bradykinin receptor B2; plus strand) and 53 more. Cytogenetic location: 14q32.13-32.31.
Variant type: copy number loss.
Change: copy number 1 (one copy instead of two) of chr14:95,871,795-102,457,523 (6.59 Mb, GRCh37 coordinates, 1-based), cytogenetic band 14q32.13-32.31.
Identifiers: ClinVar variation 1340262 (VCV001340262.1).